The following is an entry in ClinVar:

ClinVar aggregate classification (germline): Uncertain significance (1 of 4 stars; one submission).

Submission:

Women's Health and Genetics/Laboratory Corporation of America, LabCorp
Classification: Uncertain significance. Last evaluated: 2024-02-05. Review status: criteria provided, single submitter. Criteria: LabCorp Variant Classification Summary - May 2015. Collection method: clinical testing. Allele origin: germline.
Comment: Variant summary: CD3D c.453_454delCC (p.Leu152ProfsX5) results in a premature termination codon, predicted to cause a truncation of the encoded protein, however no downtream pathogenic variants (nonsense/frameshifting/missense/in-frame) have been reported yet. This variant also alters two nucleotides within the exonic splice region in exon 5. Consensus agreement among computation tools predict no significant impact on normal splicing. However, these predictions have yet to be confirmed by functional studies. The variant was absent in 251478 control chromosomes. The available data on variant occurrences in the general population are insufficient to allow any conclusion about variant significance. To our knowledge, no occurrence of c.453_454delCC in individuals affected with Severe Combined Immunodeficiency and no experimental evidence demonstrating its impact on protein function have been reported. No submitters have cited clinical-significance assessments for this variant to ClinVar. Based on the evidence outlined above, the variant was classified as uncertain significance.

NM_000732.6(CD3D):c.453_454del (p.Leu152fs)

Gene: CD3D (CD3 delta subunit of T-cell receptor complex; minus strand). Cytogenetic location: 11q23.3.
Variant type: Deletion.
Coding change: c.453_454del on transcript NM_000732.6 (MANE Select); coding-DNA positions 453 to 454, 2 bases deleted (CC; older notation c.453_454delCC).
Protein change: p.Leu152fs; shifts the reading frame from leucine 152.
Molecular consequence: frameshift variant.
Genome position (GRCh38, 1-based): chr11:118,339,224-118,339,225, GG deleted on the plus strand (CC on the coding strand, the reverse complement: CD3D is on the minus strand); deleting any 2 consecutive bases within chr11:118,339,224-118,339,227 gives the same sequence; the c. name uses the placement nearest the transcript's 3' end. VCF-style (leftmost placement, unchanged base first): chr11-118339223-AGG-A. GRCh37 (hg19) VCF-style: chr11-118209938-AGG-A.
Other names: c.321_322del, p.Leu108fs (NM_001040651.2); c.453_454delCC (NM_000732.6); short protein forms L108fs, L152fs.
Identifiers: ClinVar variation 3068902 (VCV003068902.2), dbSNP rs1342219534, ClinGen allele CA2825001996.